The following is an entry in ClinVar:

NM_033380.3(COL4A5):c.1960del (p.Asp654fs)

Gene: COL4A5 (collagen type IV alpha 5 chain; plus strand). Cytogenetic location: Xq22.3.
Variant type: Deletion.
Coding change: c.1960del on transcript NM_033380.3 (MANE Select); coding-DNA position 1960, one base deleted (G; older notation c.1960delG).
Protein change: p.Asp654fs; shifts the reading frame from aspartic acid 654.
Molecular consequence: frameshift variant.
Genome position (GRCh38, 1-based): chrX:108,601,404, G deleted; the last of 4 consecutive G bases (chrX:108,601,401-108,601,404); deleting any one gives the same sequence. VCF-style (leftmost placement, unchanged base first): chrX-108601400-AG-A. GRCh37 (hg19) VCF-style: chrX-107844630-AG-A.
Other names: c.1960del, p.Asp654fs (NM_000495.5); short protein forms D654fs.
Identifiers: ClinVar variation 4855129 (VCV004855129.1), dbSNP rs104886152.

ClinVar aggregate classification (germline): Likely pathogenic (1 of 4 stars; one submission).

Conditions:
X-linked Alport syndrome (ATS1). Also called: NEPHROPATHY AND DEAFNESS, X-LINKED; COL4A5-Related Nephropathy. Identifiers: Orphanet 63, Orphanet 88917, MedGen C4746986, MONDO:0010520, OMIM 301050.

Submission:

3billion
Classification: Likely pathogenic for X-linked Alport syndrome. Last evaluated: 2026-01-28. Review status: criteria provided, single submitter. Criteria: ACMG Guidelines, 2015. Collection method: clinical testing. Allele origin: germline. Affected: yes.
Comment: The variant is not observed in the gnomAD v4.1.0 dataset. Predicted Consequence/Location: Frameshift: predicted to result in a loss or disruption of normal protein function through nonsense-mediated decay (NMD) or protein truncation. Multiple pathogenic variants are reported downstream of the variant. Therefore, this variant is classified as Likely pathogenic according to the recommendation of ACMG/AMP guideline.

Literature cited by the submitters: PubMed 8940267.